The following is an entry in ClinVar:

NM_001276270.2(MBD4):c.1413G>A (p.Val471=)

Gene: MBD4 (methyl-CpG binding domain 4, DNA glycosylase; minus strand). Cytogenetic location: 3q21.3.
Variant type: single nucleotide variant.
Coding change: c.1413G>A on transcript NM_001276270.2 (MANE Select); coding-DNA position 1413, G replaced by A.
Protein change: p.Val471=; no amino-acid change (valine 471 retained).
Molecular consequence: synonymous variant.
Genome position (GRCh38, 1-based): chr3:129,433,228, C>T on the plus strand (G>A on the coding strand, the complement: MBD4 is on the minus strand). VCF-style: chr3-129433228-C-T. GRCh37 (hg19) VCF-style: chr3-129152071-C-T.
Other names: c.1431G>A, p.Val477= (NM_001276271.2, NM_001276272.2, NM_003925.3); c.477G>A, p.Val159= (NM_001276273.2).
Identifiers: ClinVar variation 3014185 (VCV003014185.5), dbSNP rs372098226, ClinGen allele CA82627268.

ClinVar aggregate classification (germline): Benign/Likely benign. Review status: criteria provided, multiple submitters, no conflicts (2 of 4 stars). 3 submissions from 3 submitters: Benign (1); Likely benign (2). Last evaluated 2026-06-11.

Conditions:
Inborn genetic diseases. Identifiers: MedGen C0950123, MeSH D030342.
Tumor predisposition syndrome 2 (TPDS2). Also called: MBD4-ASSOCIATED NEOPLASIA SYNDROME; MBD4-Related Tumor Predisposition Syndrome; MBD4-associated neoplasia syndrome (MANS). Identifiers: Orphanet 661526, MedGen C5774186, MONDO:0859267, OMIM 619975.

Allele frequency attached by ClinVar (database versions not stated): gnomAD exomes 0.00001; TOPMed 0.00002; gnomAD 0.00003; ESP Exome Variant Server 0.00008.
gnomAD v4.1: 25 of 1,614,034 alleles (0.0015%); highest among the groups gnomAD compares: Non-Finnish European, 0.0019%; no homozygotes.

Submissions (3):

Myriad Genetics, Inc.
Classification: Benign for Tumor predisposition syndrome 2. Last evaluated: 2026-06-11. Review status: criteria provided, single submitter. Criteria: Myriad Autosomal Dominant, Autosomal Recessive and X-Linked Classification Criteria (2023). Collection method: clinical testing. Allele origin: unknown.
Comment: This variant is considered benign. This variant is a silent/synonymous amino acid change and it is not expected to impact splicing.

Labcorp Genetics (formerly Invitae), Labcorp
Classification: Likely benign. Last evaluated: 2025-12-13. Review status: criteria provided, single submitter. Criteria: Invitae Variant Classification Sherloc (09022015). Collection method: clinical testing. Allele origin: germline.

Ambry Genetics
Classification: Likely benign for Inborn genetic diseases. Last evaluated: 2024-12-02. Review status: criteria provided, single submitter. Criteria: Ambry Variant Classification Scheme 2023. Collection method: clinical testing. Allele origin: germline.